The following is an entry in ClinVar:

NM_001379110.1(SLC9A6):c.-57+41T>A

Genes: SLC9A6 (solute carrier family 9 member A6; plus strand), LOC130068746 (ATAC-STARR-seq lymphoblastoid silent region 21025; plus strand). Cytogenetic location: Xq26.3.
Variant type: single nucleotide variant.
Coding change: c.-57+41T>A on transcript NM_001379110.1 (MANE Select); 41 bases into the intron after 57 bases upstream of the start codon, T replaced by A.
Molecular consequence: intron variant. On other transcripts: missense variant (2).
Genome position (GRCh38, 1-based): chrX:135,985,518, T>A. VCF-style: chrX-135985518-T-A. GRCh37 (hg19) VCF-style: chrX-135067677-T-A.
Other names: c.16T>A, p.Trp6Arg (NM_001042537.2, NM_006359.3); c.-35-106T>A (NM_001400909.1); c.-56-85T>A (NM_001400910.1, NM_001400911.1); c.-57+41T>A (NM_001177651.2, NM_001400913.1); c.-57+46T>A (NM_001400912.1, NM_001330652.2); short protein forms W6R.
Identifiers: ClinVar variation 2574892 (VCV002574892.3), dbSNP rs2521062188, ClinGen allele CA414606348.

ClinVar aggregate classification (germline): Uncertain significance. Review status: criteria provided, multiple submitters, no conflicts (2 of 4 stars). 2 submissions from 2 submitters: Uncertain significance (2). Last evaluated 2024-03-01.

Conditions:
Christianson syndrome (MRXSCH). Also called: SLC9A6-Related Syndromic Mental Retardation; X-linked mental retardation, syndromic, Christianson type; INTELLECTUAL DEVELOPMENTAL DISORDER, X-LINKED, SYNDROMIC, CHRISTIANSON TYPE. Identifiers: Orphanet 85278, MedGen C2678194, MONDO:0010278, OMIM 300243.

Allele frequency attached by ClinVar (database versions not stated): gnomAD exomes below 0.00001.
gnomAD v4.1: 2 of 1,119,055 alleles (0.00018%); highest among the groups gnomAD compares: Non-Finnish European, 0.00023%; no homozygotes.

Submissions (2):

Labcorp Genetics (formerly Invitae), Labcorp
Classification: Uncertain significance for Christianson syndrome. Last evaluated: 2024-03-01. Review status: criteria provided, single submitter. Criteria: Invitae Variant Classification Sherloc (09022015). Collection method: clinical testing. Allele origin: germline.
Comment: This sequence change replaces tryptophan, which is neutral and slightly polar, with arginine, which is basic and polar, at codon 6 of the SLC9A6 protein (p.Trp6Arg). This variant is not present in population databases (gnomAD no frequency). This variant has not been reported in the literature in individuals affected with SLC9A6-related conditions. ClinVar contains an entry for this variant (Variation ID: 2574892). Experimental studies and prediction algorithms are not available or were not evaluated, and the functional significance of this variant is currently unknown. In summary, the available evidence is currently insufficient to determine the role of this variant in disease. Therefore, it has been classified as a Variant of Uncertain Significance.

GeneDx
Classification: Uncertain significance. Last evaluated: 2023-02-03. Review status: criteria provided, single submitter. Criteria: GeneDx Variant Classification Process June 2021. Collection method: clinical testing. Allele origin: germline. Affected: yes.
Comment: Not observed at significant frequency in large population cohorts (gnomAD); In silico analysis supports that this missense variant does not alter protein structure/function; Has not been previously published as pathogenic or benign to our knowledge